The following is an entry in ClinVar:

NM_007294.4(BRCA1):c.4092_4093del (p.Leu1365fs)

Genes: BRCA1 (BRCA1 DNA repair associated; minus strand), LOC126862571 (BRD4-independent group 4 enhancer GRCh37_chr17:41243136-41244335; plus strand). Cytogenetic location: 17q21.31.
Variant type: Deletion.
Coding change: c.4092_4093del on transcript NM_007294.4 (MANE Select); coding-DNA positions 4092 to 4093, 2 bases deleted (CT; older notation c.4092_4093delCT).
Protein change: p.Leu1365fs; shifts the reading frame from leucine 1365.
Molecular consequence: frameshift variant. On other transcripts: intron variant (135).
Genome position (GRCh38, 1-based): chr17:43,091,438-43,091,439, AG deleted on the plus strand (CT on the coding strand, the reverse complement: BRCA1 is on the minus strand). VCF-style (leftmost placement, unchanged base first): chr17-43091437-AAG-A. GRCh37 (hg19) VCF-style: chr17-41243454-AAG-A.
Other names: 4211_4212delCT; c.3948_3949del, p.Leu1317fs (NM_001407843.1, NM_001407844.1, NM_001407845.1 and 20 more transcripts); c.3951_3952del, p.Leu1318fs (NM_001407850.1, NM_001407851.1, NM_001407852.1 and 29 more transcripts); c.3879_3880del, p.Leu1294fs (NM_001407853.1, NM_001407894.1, NM_001407895.1 and 9 more transcripts); c.4092_4093del, p.Leu1365fs (NM_001407854.1, NM_001407858.1, NM_001407859.1 and 30 more transcripts); c.4089_4090del, p.Leu1364fs (NM_001407860.1, NM_001407861.1, NM_001407587.1 and 22 more transcripts); c.3891_3892del, p.Leu1298fs (NM_001407862.1); c.3969_3970del, p.Leu1324fs (NM_001407863.1, NM_001407919.1, NM_001407937.1 and 19 more transcripts); and 42 more; short protein forms L1318fs, L1365fs, L1237fs, L1253fs, L1276fs, L1298fs, L1323fs, L1339fs.
Identifiers: ClinVar variation 55101 (VCV000055101.13), dbSNP rs397509137, ClinGen allele CA002613.
Genomic context (GRCh38, chr17:43,091,437, plus strand): 5'-ACATTTAGCTCACTTCTATAAATAGACTGGGGCAAACACAAAAACCTGGTTCCAATACCT[AAG>A]TTTGAATCCATGCTTTGCTCTTCTTGATTATTTTCTTCCAAGCCCGTTCCTCTTTCTTCA-3'

ClinVar aggregate classification (germline): Pathogenic. Review status: reviewed by expert panel (3 of 4 stars). 3 submissions from 3 submitters: Pathogenic (1). 2 of the submissions do not count toward it. Last evaluated 2016-10-18.

Conditions:
Breast-ovarian cancer, familial, susceptibility to, 1 (BROVCA1). Also called: BRCA1 Hereditary Breast and Ovarian Cancer; OVARIAN CANCER, SUSCEPTIBILITY TO. Identifiers: Orphanet 145, MedGen C2676676, MONDO:0011450, OMIM 604370. Disease mechanism: loss of function.
Hereditary breast ovarian cancer syndrome. Also called: BRCA1- and BRCA2-Associated Hereditary Breast and Ovarian Cancer; Hereditary breast and ovarian cancer syndrome; Hereditary breast and ovarian cancer syndrome (HBOC); Breast and ovarian cancer; Hereditary breast and/or ovarian cancer syndrome; Hereditary breast and ovarian cancer. Identifiers: Orphanet 145, MedGen C0677776, MeSH D061325, MONDO:0003582. Disease mechanism: loss of function.

Submissions (3):

Evidence-based Network for the Interpretation of Germline Mutant Alleles (ENIGMA)
Classification: Pathogenic for Breast-ovarian cancer, familial, susceptibility to, 1. Last evaluated: 2016-10-18. Review status: reviewed by expert panel. Criteria: ENIGMA BRCA1/2 Classification Criteria (2015). Collection method: curation. Allele origin: germline.
Comment: Variant allele predicted to encode a truncated non-functional protein.

Labcorp Genetics (formerly Invitae), Labcorp
Classification: Pathogenic for Hereditary breast ovarian cancer syndrome. Last evaluated: 2023-01-15. Review status: criteria provided, single submitter. Criteria: Invitae Variant Classification Sherloc (09022015). Collection method: clinical testing. Allele origin: germline. Not counted in ClinVar's aggregate classification.
Comment: For these reasons, this variant has been classified as Pathogenic. ClinVar contains an entry for this variant (Variation ID: 55101). This premature translational stop signal has been observed in individual(s) with hereditary breast and/or ovarian cancer (PMID: 22798144, 28111427). This variant is not present in population databases (gnomAD no frequency). This sequence change creates a premature translational stop signal (p.Leu1365Argfs*2) in the BRCA1 gene. It is expected to result in an absent or disrupted protein product. Loss-of-function variants in BRCA1 are known to be pathogenic (PMID: 20104584).

Consortium of Investigators of Modifiers of BRCA1/2 (CIMBA), c/o University of Cambridge
Classification: Pathogenic for Breast-ovarian cancer, familial, susceptibility to, 1. Last evaluated: 2015-10-02. Review status: criteria provided, single submitter. Criteria: CIMBA Mutation Classification guidelines May 2016. Collection method: clinical testing. Allele origin: germline. Not counted in ClinVar's aggregate classification.

Literature cited by the submitters: PubMed 22798144 (cited by Labcorp Genetics (formerly Invitae), Labcorp); PubMed 28111427 (cited by Labcorp Genetics (formerly Invitae), Labcorp); PubMed 20104584 (cited by Labcorp Genetics (formerly Invitae), Labcorp).